The following is an entry in ClinVar:

ClinVar aggregate classification (germline): Likely benign. Review status: criteria provided, multiple submitters, no conflicts (2 of 4 stars). 4 submissions from 4 submitters: Likely benign (4). Last evaluated 2026-09-01.

Conditions:
PRPF8-related disorder. Also called: PRPF8-related condition.

Allele frequency attached by ClinVar (database versions not stated): ExAC 0.00003; TOPMed 0.00003; gnomAD 0.00004.
gnomAD v4.1: 50 of 1,614,038 alleles (0.0031%); highest among the groups gnomAD compares: Admixed American, 0.022%; no homozygotes.

Submissions (4):

CeGaT Center for Human Genetics Tuebingen
Classification: Likely benign. Last evaluated: 2026-09-01. Review status: criteria provided, single submitter. Criteria: CeGaT Center For Human Genetics Tuebingen Variant Classification Criteria Version 2. Collection method: clinical testing. Allele origin: germline. Affected: yes. Observed: 1 variant allele.
Comment: PRPF8: BP4, BP7

Labcorp Genetics (formerly Invitae), Labcorp
Classification: Likely benign. Last evaluated: 2025-08-04. Review status: criteria provided, single submitter. Criteria: Invitae Variant Classification Sherloc (09022015). Collection method: clinical testing. Allele origin: germline.

PreventionGenetics, part of Exact Sciences
Classification: Likely benign for PRPF8-related condition. Last evaluated: 2025-04-19. Review status: criteria provided, single submitter. Criteria: ACMG Guidelines, 2015. Collection method: clinical testing. Allele origin: germline.
Comment: This variant is classified as likely benign based on ACMG/AMP sequence variant interpretation guidelines (Richards et al. 2015 PMID: 25741868, with internal and published modifications).

Blueprint Genetics
Classification: Likely benign. Last evaluated: 2024-09-17. Review status: criteria provided, single submitter. Criteria: ACMG Guidelines, 2015. Collection method: clinical testing. Allele origin: germline.

NM_006445.4(PRPF8):c.6882T>C (p.Tyr2294=)

Gene: PRPF8 (pre-mRNA processing factor 8; minus strand). Cytogenetic location: 17p13.3.
Variant type: single nucleotide variant.
Coding change: c.6882T>C on transcript NM_006445.4 (MANE Select); coding-DNA position 6882, T replaced by C.
Protein change: p.Tyr2294=; no amino-acid change (tyrosine 2294 retained).
Molecular consequence: synonymous variant.
Genome position (GRCh38, 1-based): chr17:1,650,928, A>G on the plus strand (T>C on the coding strand, the complement: PRPF8 is on the minus strand). VCF-style: chr17-1650928-A-G. GRCh37 (hg19) VCF-style: chr17-1554222-A-G.
Other names: c.6882T>C (NM_006445.3).
Identifiers: ClinVar variation 2421249 (VCV002421249.11), dbSNP rs779488719, ClinGen allele CA8271056.